The following is an entry in ClinVar:

ClinVar aggregate classification (germline): Uncertain significance (1 of 4 stars; one submission).

Conditions:
Mucopolysaccharidosis, MPS-IV-A (MPS4A). Also called: Mucopolysaccharidosis type IV A; Mucopolysaccharidosis Type IVA; Morquio syndrome A, mild; MORQUIO SYNDROME A; MPS IVA; mucopolysaccharidosis type 4A. Identifiers: Orphanet 309297, Orphanet 582, MedGen C0086651, MONDO:0009659, OMIM 253000.

Submission:

Laboratory of Diagnosis and Therapy of Lysosomal Disorders, University of Padova
Classification: Uncertain significance for Mucopolysaccharidosis, MPS-IV-A. Last evaluated: 2021-02-01. Review status: criteria provided, single submitter. Criteria: ACMG Guidelines, 2015. Collection method: curation. Allele origin: germline. Affected: yes.
Comment: Absent from gnomAD v2.1.1 (PM2_moderate); multiple lines of computational evidence support a deleterious effect on the gene (PP3_supporting)

Literature cited by the submitters: PubMed 15235041; PubMed 9298823; PubMed 34387910.

NM_000512.5(GALNS):c.1082G>T (p.Arg361Met)

Gene: GALNS (galactosamine (N-acetyl)-6-sulfatase; minus strand). Cytogenetic location: 16q24.3.
Variant type: single nucleotide variant.
Coding change: c.1082G>T on transcript NM_000512.5 (MANE Select); coding-DNA position 1082, G replaced by T.
Protein change: p.Arg361Met; replaces arginine 361 with methionine.
Molecular consequence: missense variant.
Genome position (GRCh38, 1-based): chr16:88,826,759, C>A on the plus strand (G>T on the coding strand, the complement: GALNS is on the minus strand). VCF-style: chr16-88826759-C-A. GRCh37 (hg19) VCF-style: chr16-88893167-C-A.
Other names: c.527G>T, p.Arg176Met (NM_001323543.2); c.1100G>T, p.Arg367Met (NM_001323544.2); short protein forms R176M, R361M, R367M.
Identifiers: ClinVar variation 1048492 (VCV001048492.3), dbSNP rs2142995799, ClinGen allele CA397098302.